The following is an entry in ClinVar:

NM_017654.4(SAMD9):c.4607A>T (p.Asn1536Ile)

Gene: SAMD9 (sterile alpha motif domain containing 9; minus strand). Cytogenetic location: 7q21.2.
Variant type: single nucleotide variant.
Coding change: c.4607A>T on transcript NM_017654.4 (MANE Select); coding-DNA position 4607, A replaced by T.
Protein change: p.Asn1536Ile; replaces asparagine 1536 with isoleucine.
Molecular consequence: missense variant.
Genome position (GRCh38, 1-based): chr7:93,101,491, T>A on the plus strand (A>T on the coding strand, the complement: SAMD9 is on the minus strand). VCF-style: chr7-93101491-T-A. GRCh37 (hg19) VCF-style: chr7-92730804-T-A.
Other names: c.4607A>T, p.Asn1536Ile (NM_001193307.2); short protein forms N1536I.
Identifiers: ClinVar variation 4863821 (VCV004863821.1).
Genomic context (GRCh38, chr7:93,101,491, plus strand): 5'-GCGGGAGTGATGGGTATTGTGATTTTTTCATTGATTCCATATTCTATATATAAACAATTG[T>A]TTTCAGCTCGACCTTGTAAACGAAGCAAAAGTTCTTGGACTTTTTCCTCCTTCCACACAT-3'
Protein context (NP_060124.2, residues 1526-1546): LLLRLQGRAE[Asn1536Ile]NCLYIEYGIN

ClinVar aggregate classification (germline): Uncertain significance (1 of 4 stars; one submission).

Conditions:
Inborn genetic diseases. Identifiers: MedGen C0950123, MeSH D030342.

Submission:

Ambry Genetics
Classification: Uncertain significance for Inborn genetic diseases. Last evaluated: 2026-04-19. Review status: criteria provided, single submitter. Criteria: Ambry Variant Classification Scheme 2023. Collection method: clinical testing. Allele origin: germline.
Comment: The p.N1536I variant (also known as c.4607A>T), located in coding exon 1 of the SAMD9 gene, results from an A to T substitution at nucleotide position 4607. The asparagine at codon 1536 is replaced by isoleucine, an amino acid with dissimilar properties. This amino acid position is conserved. In addition, this alteration is predicted to be tolerated by in silico analysis. Based on the available evidence, the clinical significance of this variant remains unclear.